The following is an entry in ClinVar:

NM_004656.4(BAP1):c.54C>T (p.Leu18=)

Gene: BAP1 (BRCA1 associated deubiquitinase 1; minus strand). Cytogenetic location: 3p21.1.
Variant type: single nucleotide variant.
Coding change: c.54C>T on transcript NM_004656.4 (MANE Select); coding-DNA position 54, C replaced by T.
Protein change: p.Leu18=; no amino-acid change (leucine 18 retained).
Molecular consequence: synonymous variant.
Genome position (GRCh38, 1-based): chr3:52,409,727, G>A on the plus strand (C>T on the coding strand, the complement: BAP1 is on the minus strand). VCF-style: chr3-52409727-G-A. GRCh37 (hg19) VCF-style: chr3-52443743-G-A.
Other names: c.54C>T (LRG_529t1).
Identifiers: ClinVar variation 386232 (VCV000386232.24), dbSNP rs769459561, ClinGen allele CA2437232.

ClinVar aggregate classification (germline): Conflicting classifications of pathogenicity. Review status: criteria provided, conflicting classifications (1 of 4 stars). 8 submissions from 8 submitters: Uncertain significance (1); Benign (1); Likely benign (6). Last evaluated 2025-12-19.

Conditions:
Hereditary cancer-predisposing syndrome. Also called: Hereditary Cancer Syndrome; Hereditary neoplastic syndrome; Neoplastic Syndromes, Hereditary; Tumor predisposition. Identifiers: Orphanet 140162, MedGen C0027672, MeSH D009386, MONDO:0015356.
BAP1-related tumor predisposition syndrome (TPDS1). Also called: COMMON Syndrome; TUMOR PREDISPOSITION SYNDROME 1; Tumor susceptibility linked to germline BAP1 mutations; BAP1 tumor predisposition syndrome. Identifiers: Orphanet 289539, MedGen C3280492, MONDO:0013692, OMIM 614327.
Kury-Isidor syndrome (KURIS). Identifiers: MedGen C5676925, MONDO:0859230, OMIM 619762.
Melanoma, uveal, susceptibility to, 2 (UVM2). Also called: Melanoma, uveal 2. Identifiers: Orphanet 39044, MedGen C1847723, MONDO:0011696, OMIM 606661.

Allele frequency attached by ClinVar (database versions not stated): ExAC 0.00001; gnomAD 0.00001; TOPMed 0.00002.

Submissions (8):

Labcorp Genetics (formerly Invitae), Labcorp
Classification: Likely benign for BAP1-related tumor predisposition syndrome. Last evaluated: 2025-12-19. Review status: criteria provided, single submitter. Criteria: Invitae Variant Classification Sherloc (09022015). Collection method: clinical testing. Allele origin: germline.

Quest Diagnostics Nichols Institute San Juan Capistrano
Classification: Uncertain significance. Last evaluated: 2025-07-16. Review status: criteria provided, single submitter. Criteria: Quest Diagnostics criteria. Collection method: clinical testing. Allele origin: unknown.
Comment: The BAP1 c.54C>T (p.Leu18=) synonymous variant has not been reported in individuals with BAP1-related conditions in the published literature. The frequency of this variant in the general population (Genome Aggregation Database) is uninformative in the assessment of its pathogenicity. Analysis of this variant using software algorithms for the prediction of the effect of nucleotide changes on splicing yielded predictions that this variant does not affect BAP1 mRNA splicing. Based on the available information, we are unable to determine the clinical significance of this variant.

Center for Genomic Medicine, Rigshospitalet, Copenhagen University Hospital
Classification: Likely benign. Last evaluated: 2025-03-04. Review status: criteria provided, single submitter. Criteria: ACMG Guidelines, 2015. Collection method: clinical testing. Allele origin: germline.

Myriad Genetics, Inc.
Classification: Benign for BAP1-related tumor predisposition syndrome. Last evaluated: 2024-07-11. Review status: criteria provided, single submitter. Criteria: Myriad Autosomal Dominant, Autosomal Recessive and X-Linked Classification Criteria (2023). Collection method: clinical testing. Allele origin: unknown.
Comment: This variant is considered benign. This variant is a silent/synonymous amino acid change and it is not expected to impact splicing.

Department of Pathology and Laboratory Medicine, Sinai Health System
Classification: Likely benign for Melanoma, uveal, susceptibility to, 2; BAP1-related tumor predisposition syndrome; Kury-Isidor syndrome. Last evaluated: 2024-01-08. Review status: criteria provided, single submitter. Criteria: ACMG Guidelines, 2015. Collection method: clinical testing. Allele origin: germline. Affected: yes.

GeneDx
Classification: Likely benign. Last evaluated: 2018-12-27. Review status: criteria provided, single submitter. Criteria: GeneDx Variant Classification Process June 2021. Collection method: clinical testing. Allele origin: germline. Affected: yes.

Color Diagnostics, LLC DBA Color Health
Classification: Likely benign for Hereditary cancer-predisposing syndrome. Last evaluated: 2016-06-30. Review status: criteria provided, single submitter. Criteria: ACMG Guidelines, 2015. Collection method: clinical testing. Allele origin: germline.

Ambry Genetics
Classification: Likely benign for Hereditary cancer-predisposing syndrome. Last evaluated: 2016-05-04. Review status: criteria provided, single submitter. Criteria: Ambry Variant Classification Scheme 2023. Collection method: clinical testing. Allele origin: germline.